The following is an entry in ClinVar:

NM_172107.4(KCNQ2):c.1114T>C (p.Tyr372His)

Gene: KCNQ2 (potassium voltage-gated channel subfamily Q member 2; minus strand). Cytogenetic location: 20q13.33.
Variant type: single nucleotide variant.
Coding change: c.1114T>C on transcript NM_172107.4 (MANE Select); coding-DNA position 1114, T replaced by C.
Protein change: p.Tyr372His; replaces tyrosine 372 with histidine.
Molecular consequence: missense variant.
Genome position (GRCh38, 1-based): chr20:63,433,813, A>G on the plus strand (T>C on the coding strand, the complement: KCNQ2 is on the minus strand). VCF-style: chr20-63433813-A-G. GRCh37 (hg19) VCF-style: chr20-62065166-A-G.
Other names: c.1114T>C, p.Tyr372His (NM_001382235.1, NM_004518.6, NM_172106.3 and 2 more transcripts); short protein forms Y372H.
Identifiers: ClinVar variation 1422319 (VCV001422319.9), dbSNP rs2145679082, ClinGen allele CA409651048.

ClinVar aggregate classification (germline): Uncertain significance (1 of 4 stars; one submission).

Conditions:
Early-infantile DEE. Also called: Ohtahara syndrome; Early infantile epileptic encephalopathy with suppression bursts; Early infantile epileptic encephalopathy. Identifiers: Orphanet 1934, MedGen C0393706, MONDO:0800491.

Allele frequency attached by ClinVar (database versions not stated): gnomAD exomes 0.00001.
gnomAD v4.1: 8 of 1,613,988 alleles (0.0005%); highest among the groups gnomAD compares: Non-Finnish European, 0.00068%; no homozygotes.

Submission:

Labcorp Genetics (formerly Invitae), Labcorp
Classification: Uncertain significance for Early-infantile DEE. Last evaluated: 2022-12-27. Review status: criteria provided, single submitter. Criteria: Invitae Variant Classification Sherloc (09022015). Collection method: clinical testing. Allele origin: germline.
Comment: In summary, the available evidence is currently insufficient to determine the role of this variant in disease. Therefore, it has been classified as a Variant of Uncertain Significance. Advanced modeling of protein sequence and biophysical properties (such as structural, functional, and spatial information, amino acid conservation, physicochemical variation, residue mobility, and thermodynamic stability) performed at Invitae indicates that this missense variant is expected to disrupt KCNQ2 protein function. ClinVar contains an entry for this variant (Variation ID: 1422319). This variant has not been reported in the literature in individuals affected with KCNQ2-related conditions. This variant is not present in population databases (gnomAD no frequency). This sequence change replaces tyrosine, which is neutral and polar, with histidine, which is basic and polar, at codon 372 of the KCNQ2 protein (p.Tyr372His).